The following is an entry in ClinVar:

ClinVar aggregate classification (germline): Conflicting classifications of pathogenicity. Review status: criteria provided, conflicting classifications (1 of 4 stars). 4 submissions from 4 submitters: Uncertain significance (2); Likely benign (2). Last evaluated 2025-09-15.

Conditions:
Microcephalic primordial dwarfism due to RTTN deficiency (MSSP). Also called: MICROCEPHALY, SHORT STATURE, AND POLYMICROGYRIA; Microcephaly, short stature, and polymicrogyria with or without seizures. Identifiers: Orphanet 468631, MedGen C3553831, MONDO:0018764, OMIM 614833.
Inborn genetic diseases. Identifiers: MedGen C0950123, MeSH D030342.

Allele frequency attached by ClinVar (database versions not stated): gnomAD exomes 0.00006 and 0.00016; ExAC 0.00022; gnomAD 0.00073 and 0.00079; TOPMed 0.00084; 1000 Genomes Project 30x 0.00109; 1000 Genomes Project 0.00120; ESP Exome Variant Server 0.00126.
gnomAD v4.1: 215 of 1,611,926 alleles (0.013%); highest among the groups gnomAD compares: African/African-American, 0.25%; no homozygotes.

Submissions (4):

Labcorp Genetics (formerly Invitae), Labcorp
Classification: Likely benign. Last evaluated: 2025-09-15. Review status: criteria provided, single submitter. Criteria: Invitae Variant Classification Sherloc (09022015). Collection method: clinical testing. Allele origin: germline.

Ambry Genetics
Classification: Likely benign for Inborn genetic diseases. Last evaluated: 2025-08-25. Review status: criteria provided, single submitter. Criteria: Ambry Variant Classification Scheme 2023. Collection method: clinical testing. Allele origin: germline.

GeneDx
Classification: Uncertain significance. Last evaluated: 2022-03-28. Review status: criteria provided, single submitter. Criteria: GeneDx Variant Classification Process June 2021. Collection method: clinical testing. Allele origin: germline. Affected: yes.
Comment: In silico analysis, which includes protein predictors and evolutionary conservation, supports that this variant does not alter protein structure/function; Has not been previously published as pathogenic or benign to our knowledge

New York Genome Center
Classification: Uncertain significance for Microcephalic primordial dwarfism due to RTTN deficiency. Last evaluated: 2020-05-14. Review status: criteria provided, single submitter. Criteria: NYGC Assertion Criteria 2020. Collection method: clinical testing. Allele origin: germline. Inheritance: Autosomal recessive inheritance. Observed: 1 heterozygote. Study: CSER-NYCKidSeq.

NM_173630.4(RTTN):c.4615G>A (p.Asp1539Asn)

Gene: RTTN (rotatin; minus strand). Cytogenetic location: 18q22.2.
Variant type: single nucleotide variant.
Coding change: c.4615G>A on transcript NM_173630.4 (MANE Select); coding-DNA position 4615, G replaced by A.
Protein change: p.Asp1539Asn; replaces aspartic acid 1539 with asparagine.
Molecular consequence: missense variant.
Genome position (GRCh38, 1-based): chr18:70,073,944, C>T on the plus strand (G>A on the coding strand, the complement: RTTN is on the minus strand). VCF-style: chr18-70073944-C-T. GRCh37 (hg19) VCF-style: chr18-67741180-C-T.
Other names: c.1879G>A, p.Asp627Asn (NM_001318520.2); short protein forms D1539N, D627N.
Identifiers: ClinVar variation 996942 (VCV000996942.10), dbSNP rs201473797, ClinGen allele CA8995197.